The following is an entry in ClinVar:

NM_021969.3(NR0B2):c.-8C>A

Genes: NR0B2 (nuclear receptor subfamily 0 group B member 2; minus strand), NUDC (nuclear distribution C, dynein complex regulator; plus strand). Cytogenetic location: 1p36.11.
Variant type: single nucleotide variant.
Coding change: c.-8C>A on transcript NM_021969.3 (MANE Select); 8 bases upstream of the start codon, C replaced by A.
Molecular consequence: 5 prime UTR variant.
Genome position (GRCh38, 1-based): chr1:26,913,948, G>T on the plus strand (C>A on the coding strand, the complement: NR0B2 is on the minus strand). VCF-style: chr1-26913948-G-T. GRCh37 (hg19) VCF-style: chr1-27240439-G-T.
Identifiers: ClinVar variation 3353639 (VCV003353639.1).

ClinVar aggregate classification (germline): Likely benign (0 of 4 stars; one submission).

Conditions:
NR0B2-related disorder. Also called: NR0B2-related condition.

Submission:

PreventionGenetics, part of Exact Sciences
Classification: Likely benign for NR0B2-related condition. Last evaluated: 2022-11-23. Review status: no assertion criteria provided. Collection method: clinical testing. Allele origin: germline.
Comment: This variant is classified as likely benign based on ACMG/AMP sequence variant interpretation guidelines (Richards et al. 2015 PMID: 25741868, with internal and published modifications).